The following is an entry in ClinVar:

ClinVar aggregate classification (germline): Uncertain significance (1 of 4 stars; one submission).

Conditions:
Inborn genetic diseases. Identifiers: MedGen C0950123, MeSH D030342.

Allele frequency attached by ClinVar (database versions not stated): gnomAD exomes below 0.00001; TOPMed below 0.00001; gnomAD 0.00001.
gnomAD v4.1: 4 of 1,613,714 alleles (0.00025%); highest among the groups gnomAD compares: African/African-American, 0.0053%; no homozygotes.

Submission:

Ambry Genetics
Classification: Uncertain significance for Inborn genetic diseases. Last evaluated: 2023-10-23. Review status: criteria provided, single submitter. Criteria: Ambry Variant Classification Scheme 2023. Collection method: clinical testing. Allele origin: germline.
Comment: The p.V82I variant (also known as c.244G>A), located in coding exon 3 of the RAD51 gene, results from a G to A substitution at nucleotide position 244. The valine at codon 82 is replaced by isoleucine, an amino acid with highly similar properties. This amino acid position is conserved. In addition, this alteration is predicted to be tolerated by in silico analysis. Since supporting evidence is limited at this time, the clinical significance of this alteration remains unclear.

NM_002875.5(RAD51):c.244G>A (p.Val82Ile)

Gene: RAD51 (RAD51 recombinase; plus strand). Cytogenetic location: 15q15.1.
Variant type: single nucleotide variant.
Coding change: c.244G>A on transcript NM_002875.5 (MANE Select); coding-DNA position 244, G replaced by A.
Protein change: p.Val82Ile; replaces valine 82 with isoleucine.
Molecular consequence: missense variant. On other transcripts: intron variant (2).
Genome position (GRCh38, 1-based): chr15:40,706,195, G>A. VCF-style: chr15-40706195-G-A. GRCh37 (hg19) VCF-style: chr15-40998393-G-A.
Other names: c.244G>A, p.Val82Ile (NM_001164270.2); c.347-2830G>A (NM_133487.4, NM_001164269.2); short protein forms V82I.
Identifiers: ClinVar variation 1791466 (VCV001791466.2), dbSNP rs1367039588, ClinGen allele CA391749402.